The following is an entry in ClinVar:

NM_001271.4(CHD2):c.4909C>T (p.Arg1637Ter)

Gene: CHD2 (chromodomain helicase DNA binding protein 2; plus strand). Cytogenetic location: 15q26.1.
Variant type: single nucleotide variant.
Coding change: c.4909C>T on transcript NM_001271.4 (MANE Select); coding-DNA position 4909, C replaced by T.
Protein change: p.Arg1637Ter; replaces arginine 1637 with a stop codon.
Molecular consequence: nonsense.
Genome position (GRCh38, 1-based): chr15:93,020,014, C>T. VCF-style: chr15-93020014-C-T. GRCh37 (hg19) VCF-style: chr15-93563244-C-T.
Other names: short protein forms R1637*.
Identifiers: ClinVar variation 218398 (VCV000218398.44), dbSNP rs864309547, ClinGen allele CA347826.

ClinVar aggregate classification (germline): Pathogenic. Review status: criteria provided, multiple submitters, no conflicts (2 of 4 stars). 9 submissions from 9 submitters: Pathogenic (8). 1 of the submissions does not count toward it. Last evaluated 2025-08-18.

Conditions:
Inborn genetic diseases. Identifiers: MedGen C0950123, MeSH D030342.
CHD2-related disorder. Also called: CHD2-related condition.
Developmental and epileptic encephalopathy 94 (DEE94). Also called: CHD2-Related Neurodevelopmental Disorders; Epileptic encephalopathy, childhood-onset. Identifiers: Orphanet 1942, Orphanet 2382, MedGen C3809278, MONDO:0014150, OMIM 615369.

Submissions (9):

3billion
Classification: Pathogenic for Developmental and epileptic encephalopathy 94. Last evaluated: 2025-08-18. Review status: criteria provided, single submitter. Criteria: ACMG Guidelines, 2015. Collection method: clinical testing. Allele origin: germline. Affected: yes.
Comment: The variant is not observed in the gnomAD v4.1.0 dataset. Predicted Consequence/Location: Stop-gained (nonsense): predicted to result in a loss or disruption of normal protein function through nonsense-mediated decay (NMD) or protein truncation. Multiple pathogenic variants are reported downstream of the variant. The variant has been reported at least twice as pathogenic with clinical assertions and evidence for the classification (ClinVar ID: VCV000218398 /PMID: 25783594 /3billion dataset). Therefore, this variant is classified as Pathogenic according to the recommendation of ACMG/AMP guideline.

CeGaT Center for Human Genetics Tuebingen
Classification: Pathogenic. Last evaluated: 2024-04-01. Review status: criteria provided, single submitter. Criteria: CeGaT Center For Human Genetics Tuebingen Variant Classification Criteria Version 2. Collection method: clinical testing. Allele origin: germline. Affected: yes. Observed: 1 variant allele.
Comment: CHD2: PS2:Very Strong, PVS1, PM2, PS4:Moderate

Labcorp Genetics (formerly Invitae), Labcorp
Classification: Pathogenic for Developmental and epileptic encephalopathy 94. Last evaluated: 2023-10-28. Review status: criteria provided, single submitter. Criteria: Invitae Variant Classification Sherloc (09022015). Collection method: clinical testing. Allele origin: germline.
Comment: This sequence change creates a premature translational stop signal (p.Arg1637*) in the CHD2 gene. It is expected to result in an absent or disrupted protein product. Loss-of-function variants in CHD2 are known to be pathogenic (PMID: 23708187, 24207121). This variant is not present in population databases (gnomAD no frequency). This premature translational stop signal has been observed in individual(s) with childhood-onset epileptic encephalopathy (PMID: 25783594). In at least one individual the variant was observed to be de novo. ClinVar contains an entry for this variant (Variation ID: 218398). For these reasons, this variant has been classified as Pathogenic.

GeneDx
Classification: Pathogenic. Last evaluated: 2022-10-16. Review status: criteria provided, single submitter. Criteria: GeneDx Variant Classification Process June 2021. Collection method: clinical testing. Allele origin: germline. Affected: yes.
Comment: Nonsense variant predicted to result in protein truncation or nonsense mediated decay in a gene for which loss-of-function is a known mechanism of disease; Not observed in large population cohorts (gnomAD); This variant is associated with the following publications: (PMID: 25783594, 25418537, 25363768, 28191890, 26677509, 31332282, 28714951, 31981491, 31785789, 34859793)

Institute for Medical Genetics and Human Genetics, Charité - Universitätsmedizin Berlin
Classification: Pathogenic. Last evaluated: 2022-09-27. Review status: criteria provided, single submitter. Criteria: ACMG Guidelines, 2015. Collection method: clinical testing. Allele origin: germline. Inheritance: Autosomal dominant inheritance. Affected: yes. Observed: 1 heterozygote.

Rady Children's Institute for Genomic Medicine, Rady Children's Hospital San Diego
Classification: Pathogenic for EPILEPTIC ENCEPHALOPATHY, CHILDHOOD-ONSET. Last evaluated: 2020-07-31. Review status: criteria provided, single submitter. Criteria: ACMG Guidelines, 2015. Collection method: clinical testing. Allele origin: germline. Affected: yes.
Comment: This nonsense variant found in exon 38 of 39 is predicted to result in loss of normal protein function through either protein truncation or nonsense-mediated mRNA decay (NMD). This variant has been previously reported as a de novo change in an individual affected with childhood-onset epileptic encephalopathy (PMID: 25783594) as well as in individuals with intellectual disability and/or autism spectrum disorders (PMID: 25363768, 25418537, 28191890, 31332282). It is absent from the gnomAD population database and thus is presumed to be rare. Based on the available evidence, the c.4909C>T (p.Arg1637Ter) variant is classified as Pathogenic.

Ambry Genetics
Classification: Pathogenic for Inborn genetic diseases. Last evaluated: 2017-09-27. Review status: criteria provided, single submitter. Criteria: Ambry Variant Classification Scheme 2023. Collection method: clinical testing. Allele origin: germline.
Comment: The p.R1637* pathogenic mutation (also known as c.4909C>T), located in coding exon 37 of the CHD2 gene, results from a C to T substitution at nucleotide position 4909. This changes the amino acid from an arginine to a stop codon within coding exon 37. In another study, this mutation occurred de novo in an individual whose phenotype evolved from early-onset absence epilepsy to idiopathic photosensitive occipital lobe epilepsy (Galizia EC et al. Brain, 2015 May;138:1198-207). In addition to the clinical data presented in the literature, this alteration is expected to result in loss of function by premature protein truncation or nonsense-mediated mRNA decay. As such, this alteration is interpreted as a disease-causing mutation.

Lifecell International Pvt. Ltd
Classification: Pathogenic for Developmental and epileptic encephalopathy 94. Review status: criteria provided, single submitter. Criteria: ACMG Guidelines, 2015. Collection method: clinical testing. Allele origin: germline. Inheritance: Autosomal dominant inheritance. Affected: yes. Observed: 1 heterozygote.
Comment: A Heterozygous Splice site region, Nonsense variant c.4909C>T in Exon 38 of the CHD2 gene that results in the amino acid substitution p.Arg1637* was identified. The observed variant has a minor allele frequency of 0.000% in gnomAD exomes and genomes, respectively. The severity of the impact of this variant on the protein is high, based on the effect of the protein and REVEL score. Rare Exome Variant Ensemble Learner (REVEL) is an ensembl method for predicting the pathogenicity of missense variants based on a combination of scores from 13 individual tools: MutPred, FATHMM v2.3, VEST 3.0, PolyPhen-2, SIFT, PROVEAN, MutationAssessor, MutationTaster, LRT, GERP++, SiPhy, phyloP, and phastCons. The REVEL score for an individual missense variant can range from 0 to 1, with higher scores reflecting greater likelihood that the variant is disease-causing. The variant has been reported to ClinVar as Pathogenic with a status of (2 stars) criteria provided, multiple submitters, no conflicts (Variation ID 218398 as of 2023-01-07). This nonsense variant found in exon 38 of 39 is predicted to result in loss of normal protein function through either protein truncation or nonsense-mediated mRNA decay (NMD). This variant has been previously reported as a de novo change in an individual affected with childhood-onset epileptic encephalopathy (Galizia, Elizabeth C et al., 2015) as well as in individuals with intellectual disability and/or autism spectrum disorders (Kosmicki, Jack A et al., 2017; Du, Yaoqiang et al., 2020). Based on the above evidence this variant has been classified as Pathogenic according to the ACMG guidelines.

PreventionGenetics, part of Exact Sciences
Classification: Pathogenic for CHD2-related condition. Last evaluated: 2024-01-05. Review status: no assertion criteria provided. Collection method: clinical testing. Allele origin: germline. Not counted in ClinVar's aggregate classification.
Comment: The CHD2 c.4909C>T variant is predicted to result in premature protein termination (p.Arg1637*). This variant has been reported as de novo in a patient with idiopathic photosensitive occipital epilepsy and in several patients with autism spectrum disorder (Galizia et al. 2015. PubMed ID: 25783594; Table S2, Iossifov et al. 2014. PubMed ID: 25363768; Table S1, O'Roak et al. 2014. PubMed ID: 25418537; Table S1, Kosmicki et al. 2017. PubMed ID: 28191890). This variant has not been reported in a large population database, indicating this variant is rare. Nonsense variants in CHD2 are expected to be pathogenic. This variant is interpreted as pathogenic.

Literature cited by the submitters: PubMed 25783594 (cited by 4 submitters); PubMed 23708187 (cited by Labcorp Genetics (formerly Invitae), Labcorp); PubMed 24207121 (cited by Labcorp Genetics (formerly Invitae), Labcorp); PubMed 25418537 (cited by Ambry Genetics); PubMed 28191890 (cited by Lifecell International Pvt. Ltd); PubMed 31332282 (cited by Lifecell International Pvt. Ltd).